The following is an entry in ClinVar:

NM_019066.5(MAGEL2):c.1430_1431insCGTGATCCGCCAGGCCCCCGCTGTGATCCGCCAGGCCCCACC (p.Pro483_Pro484insAlaValIleArgGlnAlaProProValIleArgGlnAlaPro)

Gene: MAGEL2 (MAGE family member L2; minus strand). Cytogenetic location: 15q11.2.
Variant type: Insertion.
Coding change: c.1430_1431insCGTGATCCGCCAGGCCCCCGCTGTGATCCGCCAGGCCCCACC on transcript NM_019066.5 (MANE Select); coding-DNA positions 1430 to 1431, CGTGATCCGCCAGGCCCCCGCTGTGATCCGCCAGGCCCCACC inserted.
Protein change: p.Pro483_Pro484insAlaValIleArgGlnAlaProProValIleArgGlnAlaPro.
Molecular consequence: inframe insertion.
Genome position: GRCh38: chr15:23,646,334-23,646,335. GRCh37 (hg19): chr15:23,891,481-23,891,482.
Identifiers: ClinVar variation 4822828 (VCV004822828.4).
Genomic context (GRCh38, chr15:23,646,312, plus strand): 5'-CGGCGCCTGGCGGATCAGCGGCGGGGCCTGGCGGATCACAGGTGGAGCCTGGCGGATCAC[A>AGGTGGGGCCTGGCGGATCACAGCGGGGGCCTGGCGGATCACG]GGTGGGGCCTGGCGGATCACAGGTGGGGCCTGGCGGATCACAGCGGGGGCCTGGCGGATC-3'

ClinVar aggregate classification (germline): Uncertain significance (1 of 4 stars; one submission).

Submission:

CeGaT Center for Human Genetics Tuebingen
Classification: Uncertain significance. Last evaluated: 2026-01-01. Review status: criteria provided, single submitter. Criteria: CeGaT Center For Human Genetics Tuebingen Variant Classification Criteria Version 2. Collection method: clinical testing. Allele origin: germline. Affected: yes. Observed: 1 variant allele.
Comment: MAGEL2: PM2, PM4